The following is an entry in ClinVar:

ClinVar aggregate classification (germline): Uncertain significance (1 of 4 stars; one submission).

gnomAD v4.1: 1 of 1,614,042 alleles (0.000062%); no homozygotes.

Submission:

GeneDx
Classification: Uncertain significance. Last evaluated: 2019-03-26. Review status: criteria provided, single submitter. Criteria: GeneDx Variant Classification Process June 2021. Collection method: clinical testing. Allele origin: germline. Affected: yes.
Comment: Not observed in large population cohorts (Lek et al., 2016); In silico analysis, which includes protein predictors and evolutionary conservation, supports a deleterious effect; Has not been previously published as pathogenic or benign to our knowledge

NM_020547.3(AMHR2):c.778T>A (p.Phe260Ile)

Gene: AMHR2 (anti-Mullerian hormone receptor type 2; plus strand). Cytogenetic location: 12q13.13.
Variant type: single nucleotide variant.
Coding change: c.778T>A on transcript NM_020547.3 (MANE Select); coding-DNA position 778, T replaced by A.
Protein change: p.Phe260Ile; replaces phenylalanine 260 with isoleucine.
Molecular consequence: missense variant.
Genome position (GRCh38, 1-based): chr12:53,425,845, T>A. VCF-style: chr12-53425845-T-A. GRCh37 (hg19) VCF-style: chr12-53819629-T-A.
Other names: c.778T>A, p.Phe260Ile (NM_001164690.2, NM_001164691.2); short protein forms F260I.
Identifiers: ClinVar variation 1307816 (VCV001307816.2), dbSNP rs2136949663, ClinGen allele CA385092911.